The following is an entry in ClinVar:

ClinVar aggregate classification (germline): Uncertain significance (1 of 4 stars; one submission).

Submission:

GeneDx
Classification: Uncertain significance. Last evaluated: 2024-11-01. Review status: criteria provided, single submitter. Criteria: GeneDx Variant Classification Process June 2021. Collection method: clinical testing. Allele origin: germline. Affected: yes.
Comment: Not observed at significant frequency in large population cohorts (gnomAD); In silico analysis supports that this missense variant has a deleterious effect on protein structure/function; Has not been previously published as pathogenic or benign to our knowledge

NM_000829.4(GRIA4):c.224A>G (p.Asn75Ser)

Gene: GRIA4 (glutamate ionotropic receptor AMPA type subunit 4; plus strand). Cytogenetic location: 11q22.3.
Variant type: single nucleotide variant.
Coding change: c.224A>G on transcript NM_000829.4 (MANE Select); coding-DNA position 224, A replaced by G.
Protein change: p.Asn75Ser; replaces asparagine 75 with serine.
Molecular consequence: missense variant. On other transcripts: non-coding transcript variant (1).
Genome position (GRCh38, 1-based): chr11:105,612,411, A>G. VCF-style: chr11-105612411-A-G. GRCh37 (hg19) VCF-style: chr11-105483138-A-G.
Other names: c.224A>G, p.Asn75Ser (NM_001077243.3, NM_001077244.2, NM_001112812.2); short protein forms N75S.
Identifiers: ClinVar variation 3897413 (VCV003897413.1).